The following is an entry in ClinVar:

NM_007294.4(BRCA1):c.625C>A (p.Pro209Thr)

Gene: BRCA1 (BRCA1 DNA repair associated; minus strand). Cytogenetic location: 17q21.31.
Variant type: single nucleotide variant.
Coding change: c.625C>A on transcript NM_007294.4 (MANE Select); coding-DNA position 625, C replaced by A.
Protein change: p.Pro209Thr; replaces proline 209 with threonine.
Molecular consequence: missense variant. On other transcripts: intron variant (115).
Genome position (GRCh38, 1-based): chr17:43,095,891, G>T on the plus strand (C>A on the coding strand, the complement: BRCA1 is on the minus strand). VCF-style: chr17-43095891-G-T. GRCh37 (hg19) VCF-style: chr17-41247908-G-T.
Other names: c.244C>A, p.Pro82Thr (NM_001407963.1, NM_001408510.1, NM_001407959.1 and 1 more transcripts); c.481C>A, p.Pro161Thr (NM_001407964.1, NM_001408470.1, NM_001407749.1 and 26 more transcripts); c.625C>A, p.Pro209Thr (NM_001407968.1, NM_001407969.1, NM_001407970.1 and 58 more transcripts); c.622C>A, p.Pro208Thr (NM_001407972.1, NM_001408473.1, NM_001407860.1 and 41 more transcripts); c.415C>A, p.Pro139Thr (NM_001408478.1, NM_001408479.1, NM_001408480.1 and 27 more transcripts); c.484C>A, p.Pro162Thr (NM_001408469.1, NM_001407730.1, NM_001407731.1 and 43 more transcripts); c.412C>A, p.Pro138Thr (NM_001407915.1, NM_001408490.1, NM_001408491.1 and 12 more transcripts); c.547C>A, p.Pro183Thr (NM_001408409.1, NM_001408411.1, NM_001408412.1 and 9 more transcripts); and 17 more; short protein forms P138T, P139T, P161T, P162T, P164T, P182T, P183T, P206T.
Identifiers: ClinVar variation 4867709 (VCV004867709.1).

ClinVar aggregate classification (germline): Uncertain significance (1 of 4 stars; one submission).

Conditions:
Hereditary cancer-predisposing syndrome. Also called: Neoplastic Syndromes, Hereditary; Tumor predisposition; Hereditary Cancer Syndrome; Hereditary neoplastic syndrome. Identifiers: Orphanet 140162, MedGen C0027672, MeSH D009386, MONDO:0015356.

Submission:

Ambry Genetics
Classification: Uncertain significance for Hereditary cancer-predisposing syndrome. Last evaluated: 2026-04-04. Review status: criteria provided, single submitter. Criteria: Ambry Variant Classification Scheme 2023. Collection method: clinical testing. Allele origin: germline.
Comment: The p.P209T variant (also known as c.625C>A), located in coding exon 8 of the BRCA1 gene, results from a C to A substitution at nucleotide position 625. The proline at codon 209 is replaced by threonine, an amino acid with highly similar properties. This amino acid position is conserved. In addition, this alteration is predicted to be deleterious by in silico analysis. Based on the available evidence, the clinical significance of this variant remains unclear.